The following is an entry in ClinVar:

NM_002693.3(POLG):c.2427-240C>T

Genes: POLG (DNA polymerase gamma, catalytic subunit; minus strand), POLGARF (POLG alternative reading frame; minus strand). Cytogenetic location: 15q26.1.
Variant type: single nucleotide variant.
Coding change: c.2427-240C>T on transcript NM_002693.3 (MANE Select); 240 bases into the intron before coding-DNA position 2427, C replaced by T.
Molecular consequence: intron variant.
Genome position (GRCh38, 1-based): chr15:89,322,255, G>A on the plus strand (C>T on the coding strand, the complement: POLG is on the minus strand). VCF-style: chr15-89322255-G-A. GRCh37 (hg19) VCF-style: chr15-89865486-G-A.
Other names: c.2427-240C>T (NM_001126131.2).
Identifiers: ClinVar variation 677351 (VCV000677351.1), dbSNP rs3176207, ClinGen allele CA274547900.

ClinVar aggregate classification (germline): Benign (1 of 4 stars; one submission).

Allele frequency attached by ClinVar (database versions not stated): TOPMed 0.04467; 1000 Genomes Project 0.04912; 1000 Genomes Project 30x 0.04981.
gnomAD v4.1: 6,143 of 152,184 alleles (4%); highest among the groups gnomAD compares: African/African-American, 14%; 382 homozygotes.

Submission:

GeneDx
Classification: Benign. Last evaluated: 2018-06-14. Review status: criteria provided, single submitter. Criteria: GeneDx Variant Classification (06012015). Collection method: clinical testing. Allele origin: germline. Affected: yes.
Comment: This variant is considered likely benign or benign based on one or more of the following criteria: it is a conservative change, it occurs at a poorly conserved position in the protein, it is predicted to be benign by multiple in silico algorithms, and/or has population frequency not consistent with disease.